The following is an entry in ClinVar:

ClinVar aggregate classification (germline): Likely benign. Review status: criteria provided, multiple submitters, no conflicts (2 of 4 stars). 2 submissions from 2 submitters: Likely benign (2). Last evaluated 2025-02-11.

Conditions:
Hereditary nonpolyposis colorectal neoplasms. Identifiers: MedGen C0009405, MeSH D003123.

gnomAD v4.1: 1 of 1,613,342 alleles (0.000062%); highest among the groups gnomAD compares: Admixed American, 0.0017%; no homozygotes.

Submissions (2):

Labcorp Genetics (formerly Invitae), Labcorp
Classification: Likely benign for Hereditary nonpolyposis colorectal neoplasms. Last evaluated: 2025-02-11. Review status: criteria provided, single submitter. Criteria: Invitae Variant Classification Sherloc (09022015). Collection method: clinical testing. Allele origin: germline.

GeneDx
Classification: Likely benign. Last evaluated: 2017-03-10. Review status: criteria provided, single submitter. Criteria: GeneDx Variant Classification (06012015). Collection method: clinical testing. Allele origin: germline. Affected: yes.
Comment: This variant is considered likely benign or benign based on one or more of the following criteria: it is a conservative change, it occurs at a poorly conserved position in the protein, it is predicted to be benign by multiple in silico algorithms, and/or has population frequency not consistent with disease.

NM_000179.3(MSH6):c.627+20C>G

Gene: MSH6 (mutS homolog 6; plus strand). Cytogenetic location: 2p16.3.
Variant type: single nucleotide variant.
Coding change: c.627+20C>G on transcript NM_000179.3 (MANE Select); 20 bases into the intron after coding-DNA position 627, C replaced by G.
Molecular consequence: intron variant.
Genome position (GRCh38, 1-based): chr2:47,796,083, C>G. VCF-style: chr2-47796083-C-G. GRCh37 (hg19) VCF-style: chr2-48023222-C-G.
Other names: c.-279-2528C>G (NM_001281493.2); c.238-2528C>G (NM_001281492.2); c.-276+20C>G (NM_001281494.2).
Identifiers: ClinVar variation 508019 (VCV000508019.6), dbSNP rs376929025, ClinGen allele CA532705759.